The following is an entry in ClinVar:

NM_000308.4(CTSA):c.1036G>A (p.Val346Met)

Gene: CTSA (cathepsin A; plus strand). Cytogenetic location: 20q13.12.
Variant type: single nucleotide variant.
Coding change: c.1036G>A on transcript NM_000308.4 (MANE Select); coding-DNA position 1036, G replaced by A.
Protein change: p.Val346Met; replaces valine 346 with methionine.
Molecular consequence: missense variant. On other transcripts: non-coding transcript variant (1).
Genome position (GRCh38, 1-based): chr20:45,895,081, G>A. VCF-style: chr20-45895081-G-A. GRCh37 (hg19) VCF-style: chr20-44523720-G-A.
Other names: c.1036G>A, p.Val346Met (NM_001127695.3); c.985G>A, p.Val329Met (NM_001167594.3); short protein forms V346M, V329M.
Identifiers: ClinVar variation 338536 (VCV000338536.18), dbSNP rs137941635, ClinGen allele CA9883254.

ClinVar aggregate classification (germline): Conflicting classifications of pathogenicity. Review status: criteria provided, conflicting classifications (1 of 4 stars). 3 submissions from 3 submitters: Uncertain significance (1); Likely benign (2). Last evaluated 2026-02-02.

Conditions:
Combined deficiency of sialidase AND beta galactosidase (GSL). Also called: CATHEPSIN A DEFICIENCY; GOLDBERG SYNDROME; NEURAMINIDASE DEFICIENCY WITH BETA-GALACTOSIDASE DEFICIENCY; NEURAMINIDASE/BETA-GALACTOSIDASE EXPRESSION; PPCA DEFICIENCY; PROTECTIVE PROTEIN/CATHEPSIN A DEFICIENCY. Identifiers: Orphanet 351, MedGen C0268233, MONDO:0009737, OMIM 256540.

Allele frequency attached by ClinVar (database versions not stated): ESP Exome Variant Server 0.00008; gnomAD 0.00011 and 0.00014; TOPMed 0.00017; 1000 Genomes Project 30x 0.00078; 1000 Genomes Project 0.00080.
gnomAD v4.1: 129 of 1,614,150 alleles (0.008%); highest among the groups gnomAD compares: East Asian, 0.22%; no homozygotes.

Submissions (3):

Labcorp Genetics (formerly Invitae), Labcorp
Classification: Likely benign for Combined deficiency of sialidase AND beta galactosidase. Last evaluated: 2026-02-02. Review status: criteria provided, single submitter. Criteria: Invitae Variant Classification Sherloc (09022015). Collection method: clinical testing. Allele origin: germline.

Mayo Clinic Laboratories, Mayo Clinic
Classification: Uncertain significance. Last evaluated: 2020-04-16. Review status: criteria provided, single submitter. Criteria: ACMG Guidelines, 2015. Collection method: clinical testing. Allele origin: germline. Observed: 1 variant allele.

Illumina Laboratory Services, Illumina
Classification: Likely benign for Combined deficiency of sialidase AND beta galactosidase. Last evaluated: 2018-01-13. Review status: criteria provided, single submitter. Criteria: ICSL Variant Classification Criteria 13 December 2019. Collection method: clinical testing. Allele origin: germline.
Comment: This variant was observed in the ICSL laboratory as part of a predisposition screen in an ostensibly healthy population. It had not been previously curated by ICSL or reported in the Human Gene Mutation Database (HGMD: prior to June 1st, 2018), and was therefore a candidate for classification through an automated scoring system. Utilizing variant allele frequency, disease prevalence and penetrance estimates, and inheritance mode, an automated score was calculated to assess if this variant is too frequent to cause the disease. Based on the score and internal cut-off values, a variant classified as likely benign is not then subjected to further curation. The score for this variant resulted in a classification of likely benign for this disease.